The following is an entry in ClinVar:

NC_000016.9:g.(?_2131576)_(2138611_?)dup

Gene: TSC2 (TSC complex subunit 2; plus strand). Cytogenetic location: 16p13.3.
Variant type: Duplication.
Identifiers: ClinVar variation 3243470 (VCV003243470.1).

ClinVar aggregate classification (germline): Uncertain significance (1 of 4 stars; one submission).

Conditions:
Tuberous sclerosis 2 (TSC2). Identifiers: Orphanet 805, MedGen C1860707, MONDO:0013199, OMIM 613254.

Submission:

Labcorp Genetics (formerly Invitae), Labcorp
Classification: Uncertain significance for Tuberous sclerosis 2. Last evaluated: 2024-01-05. Review status: criteria provided, single submitter. Criteria: Invitae Variant Classification Sherloc (09022015). Collection method: clinical testing. Allele origin: unknown.
Comment: This variant results in a copy number gain of the genomic region encompassing exon(s) 31-42 of the TSC2 gene. This region includes the termination codon of the gene. This copy number gain extends beyond the assayed region for this gene and therefore may encompass additional genes. As the precise location of this event is unknown, it may be in tandem or it may be located elsewhere in the genome. A similar copy number variant has been observed in individual(s) with lymphangioleiomyomatosis (PMID: 31856217). In summary, the available evidence is currently insufficient to determine the role of this variant in disease. Therefore, it has been classified as a Variant of Uncertain Significance.

Literature cited by the submitters: PubMed 31856217.